The following is an entry in ClinVar:

ClinVar aggregate classification (germline): Uncertain significance (1 of 4 stars; one submission).

Submission:

Labcorp Genetics (formerly Invitae), Labcorp
Classification: Uncertain significance. Last evaluated: 2022-07-19. Review status: criteria provided, single submitter. Criteria: Invitae Variant Classification Sherloc (09022015). Collection method: clinical testing. Allele origin: germline.
Comment: In summary, the available evidence is currently insufficient to determine the role of this variant in disease. Therefore, it has been classified as a Variant of Uncertain Significance. Algorithms developed to predict the effect of missense changes on protein structure and function are either unavailable or do not agree on the potential impact of this missense change (SIFT: "Deleterious"; PolyPhen-2: "Benign"; Align-GVGD: "Class C0"). ClinVar contains an entry for this variant (Variation ID: 1489253). This variant has not been reported in the literature in individuals affected with HPS6-related conditions. This variant is not present in population databases (gnomAD no frequency). This sequence change replaces proline, which is neutral and non-polar, with threonine, which is neutral and polar, at codon 114 of the HPS6 protein (p.Pro114Thr).

NM_024747.6(HPS6):c.340C>A (p.Pro114Thr)

Gene: HPS6 (HPS6 biogenesis of lysosomal organelles complex 2 subunit 3; plus strand). Cytogenetic location: 10q24.32.
Variant type: single nucleotide variant.
Coding change: c.340C>A on transcript NM_024747.6 (MANE Select); coding-DNA position 340, C replaced by A.
Protein change: p.Pro114Thr; replaces proline 114 with threonine.
Molecular consequence: missense variant.
Genome position (GRCh38, 1-based): chr10:102,065,814, C>A. VCF-style: chr10-102065814-C-A. GRCh37 (hg19) VCF-style: chr10-103825571-C-A.
Other names: short protein forms P114T.
Identifiers: ClinVar variation 1489253 (VCV001489253.8), dbSNP rs2136333916, ClinGen allele CA377856211.